The following is an entry in ClinVar:

NM_014363.6(SACS):c.110G>A (p.Arg37His)

Genes: SACS (sacsin molecular chaperone; minus strand), LOC130009366 (ATAC-STARR-seq lymphoblastoid silent region 5172; plus strand). Cytogenetic location: 13q12.12.
Variant type: single nucleotide variant.
Coding change: c.110G>A on transcript NM_014363.6 (MANE Select); coding-DNA position 110, G replaced by A.
Protein change: p.Arg37His; replaces arginine 37 with histidine.
Molecular consequence: missense variant. On other transcripts: 5 prime UTR variant (1).
Genome position (GRCh38, 1-based): chr13:23,375,180, C>T on the plus strand (G>A on the coding strand, the complement: SACS is on the minus strand). VCF-style: chr13-23375180-C-T. GRCh37 (hg19) VCF-style: chr13-23949319-C-T.
Other names: c.-244G>A (NM_001278055.2); short protein forms R37H.
Identifiers: ClinVar variation 450612 (VCV000450612.16), dbSNP rs866539724, ClinGen allele CA387554542.

ClinVar aggregate classification (germline): Conflicting classifications of pathogenicity. Review status: criteria provided, conflicting classifications (1 of 4 stars). 7 submissions from 7 submitters: Uncertain significance (5); Likely benign (1). 1 of the submissions does not count toward it. Last evaluated 2026-01-20.

Conditions:
Inborn genetic diseases. Identifiers: MedGen C0950123, MeSH D030342.
Spastic paraplegia. Identifiers: MedGen C0037772, HP:0001258.
Charlevoix-Saguenay spastic ataxia (SACS). Also called: SPASTIC ATAXIA 6, AUTOSOMAL RECESSIVE; AUTOSOMAL RECESSIVE SPASTIC ATAXIA OF CHARLEVOIX-SAGUENAY; Spastic ataxia of Charlevoix-Saguenay. Identifiers: Orphanet 98, MedGen C1849140, MONDO:0010041, OMIM 270550.

Allele frequency attached by ClinVar (database versions not stated): gnomAD exomes below 0.00001 and 0.00002; gnomAD 0.00004 and 0.00006; TOPMed 0.00011.
gnomAD v4.1: 10 of 1,505,904 alleles (0.00066%); highest among the groups gnomAD compares: Admixed American, 0.018%; no homozygotes.

Submissions (7):

GeneDx
Classification: Uncertain significance. Last evaluated: 2026-01-20. Review status: criteria provided, single submitter. Criteria: GeneDx Variant Classification Process June 2021. Collection method: clinical testing. Allele origin: germline. Affected: yes.
Comment: Not observed at significant frequency in large population cohorts (gnomAD); In silico analysis suggests that this missense variant does not alter protein structure/function; Has not been previously published as pathogenic or benign to our knowledge

Ambry Genetics
Classification: Uncertain significance for Inborn genetic diseases. Last evaluated: 2025-11-08. Review status: criteria provided, single submitter. Criteria: Ambry Variant Classification Scheme 2023. Collection method: clinical testing. Allele origin: germline.

Labcorp Genetics (formerly Invitae), Labcorp
Classification: Likely benign for Spastic paraplegia. Last evaluated: 2025-02-18. Review status: criteria provided, single submitter. Criteria: Invitae Variant Classification Sherloc (09022015). Collection method: clinical testing. Allele origin: germline.

Women's Health and Genetics/Laboratory Corporation of America, LabCorp
Classification: Uncertain significance. Last evaluated: 2024-11-29. Review status: criteria provided, single submitter. Criteria: LabCorp Variant Classification Summary - May 2015. Collection method: clinical testing. Allele origin: germline.
Comment: Variant summary: SACS c.110G>A (p.Arg37His) results in a non-conservative amino acid change located in the Ubiquitin-like domain (IPR029071) of the encoded protein sequence. Three of five in-silico tools predict a benign effect of the variant on protein function. The variant allele was found at a frequency of 2e-05 in 101734 control chromosomes. The available data on variant occurrences in the general population are insufficient to allow any conclusion about variant significance. To our knowledge, no occurrence of c.110G>A in individuals affected with Charlevoix-Saguenay spastic ataxia and no experimental evidence demonstrating its impact on protein function have been reported. ClinVar contains an entry for this variant (Variation ID: 450612). Based on the evidence outlined above, the variant was classified as uncertain significance.

Revvity Omics, Revvity
Classification: Uncertain significance for Charlevoix-Saguenay spastic ataxia. Last evaluated: 2024-06-04. Review status: criteria provided, single submitter. Criteria: ACMG Guidelines, 2015. Collection method: clinical testing. Allele origin: germline.

New York Genome Center
Classification: Uncertain significance for Charlevoix-Saguenay spastic ataxia. Last evaluated: 2021-09-03. Review status: criteria provided, single submitter. Criteria: NYGC Assertion Criteria 2020. Collection method: clinical testing. Allele origin: germline. Observed: 1 variant allele. Study: CSER-NYCKidSeq.
Comment: The c.110G>A (p.Arg37His) variant identified in the SACS gene substitutes a moderately conserved Arginine for Histidine at amino acid 37/4580 (exon 3/10). This variant is found with low frequency in gnomAD(v3.1.1)(7 heterozygotes, 0 homozygotes; allele frequency:4.60e-5) suggesting it is not a common benign variant in the populations represented in that database. In silico algorithms predict this variant to be Tolerated (SIFT; score: 0.138) and Benign (REVEL;score:0.1159) to the function of the canonical transcript. This variant is reported as a Variant of Uncertain Significance in ClinVar (VarID:445133), and to our current knowledge has not been reported in affected individuals in the literature. The p.Arg37residue is within the ubiquitin-like domain of SACS (UniProtKB:Q9NZJ4). Given the lack of compelling evidence for its pathogenicity, the c.110G>A (p.Arg37His) variant identified in the SACS gene is reported as a Variant of Uncertain Significance.

Natera, Inc.
Classification: Uncertain significance for Charlevoix-Saguenay type spastic ataxia. Last evaluated: 2019-11-11. Review status: no assertion criteria provided. Collection method: clinical testing. Allele origin: germline. Not counted in ClinVar's aggregate classification.